The following is an entry in ClinVar:

NM_000238.4(KCNH2):c.913_914dup (p.Gly306fs)

Gene: KCNH2 (potassium voltage-gated channel subfamily H member 2; minus strand). Cytogenetic location: 7q36.1.
Variant type: Duplication.
Coding change: c.913_914dup on transcript NM_000238.4 (MANE Select); coding-DNA positions 913 to 914, 2 bases duplicated (AC; older notation c.913_914dupAC).
Protein change: p.Gly306fs; shifts the reading frame from glycine 306.
Molecular consequence: frameshift variant. On other transcripts: non-coding transcript variant (1).
Genome position (GRCh38, 1-based): chr7:150,958,061-150,958,062, GT duplicated on the plus strand (AC on the coding strand, the reverse complement: KCNH2 is on the minus strand); duplicating any 2 consecutive bases within chr7:150,958,061-150,958,063 gives the same sequence; the c. name uses the placement nearest the transcript's 3' end. VCF-style (leftmost placement, unchanged base first): chr7-150958060-G-GGT. GRCh37 (hg19) VCF-style: chr7-150655148-G-GGT.
Other names: c.625_626dup, p.Gly210fs (NM_001406753.1, NM_001406756.1); c.736_737dup, p.Gly247fs (NM_001406755.1); c.613_614dup, p.Gly206fs (NM_001406757.1); c.913_914dup, p.Gly306fs (NM_172056.3); short protein forms G210fs, G206fs, G247fs, G306fs.
Identifiers: ClinVar variation 4720344 (VCV004720344.1).

ClinVar aggregate classification (germline): Pathogenic (1 of 4 stars; one submission).

Conditions:
Long QT syndrome (LQTS). Identifiers: MedGen C0023976, MeSH D008133, MONDO:0002442. Disease mechanism: loss of function. Inheritance: Various modes of inheritance.

Submission:

Labcorp Genetics (formerly Invitae), Labcorp
Classification: Pathogenic for Long QT syndrome. Last evaluated: 2025-06-22. Review status: criteria provided, single submitter. Criteria: Invitae Variant Classification Sherloc (09022015). Collection method: clinical testing. Allele origin: germline.
Comment: This sequence change creates a premature translational stop signal (p.Gly306Profs*55) in the KCNH2 gene. It is expected to result in an absent or disrupted protein product. Loss-of-function variants in KCNH2 are known to be pathogenic (PMID: 10973849, 19862833). This variant is not present in population databases (gnomAD no frequency). This variant has not been reported in the literature in individuals affected with KCNH2-related conditions. For these reasons, this variant has been classified as Pathogenic.

Literature cited by the submitters: PubMed 10973849; PubMed 19862833.